The following is an entry in ClinVar:

ClinVar aggregate classification (germline): Benign/Likely benign. Review status: criteria provided, multiple submitters, no conflicts (2 of 4 stars). 2 submissions from 2 submitters: Benign (1); Likely benign (1). Last evaluated 2025-12-30.

Conditions:
ABCC12-related condition.

Submissions (2):

PreventionGenetics, part of Exact Sciences
Classification: Likely benign for ABCC12-related condition. Last evaluated: 2025-12-30. Review status: criteria provided, single submitter. Criteria: ACMG Guidelines, 2015. Collection method: clinical testing. Allele origin: germline.
Comment: This variant is classified as likely benign based on ACMG/AMP sequence variant interpretation guidelines (Richards et al. 2015 PMID: 25741868, with internal and published modifications).

Labcorp Genetics (formerly Invitae), Labcorp
Classification: Benign. Last evaluated: 2019-12-31. Review status: criteria provided, single submitter. Criteria: Invitae Variant Classification Sherloc (09022015). Collection method: clinical testing. Allele origin: germline.

NM_001393797.1(ABCC12):c.197_198del (p.Lys66fs)

Gene: ABCC12 (ATP binding cassette subfamily C member 12; minus strand). Cytogenetic location: 16q12.1.
Variant type: Deletion.
Coding change: c.197_198del on transcript NM_001393797.1 (MANE Select); coding-DNA positions 197 to 198, 2 bases deleted (AA; older notation c.197_198delAA).
Protein change: p.Lys66fs; shifts the reading frame from lysine 66.
Molecular consequence: frameshift variant. On other transcripts: non-coding transcript variant (6).
Genome position (GRCh38, 1-based): chr16:48,143,987-48,143,988, TT deleted on the plus strand (AA on the coding strand, the reverse complement: ABCC12 is on the minus strand); deleting any 2 consecutive bases within chr16:48,143,987-48,143,989 gives the same sequence; the c. name uses the placement nearest the transcript's 3' end. VCF-style (leftmost placement, unchanged base first): chr16-48143986-CTT-C. GRCh37 (hg19) VCF-style: chr16-48177897-CTT-C.
Other names: c.197_198delAA (NM_033226.2); c.197_198del, p.Lys66fs (NM_001392028.1, NM_033226.3); short protein forms K66fs.
Identifiers: ClinVar variation 781323 (VCV000781323.5), dbSNP rs148156488, ClinGen allele CA8042800.
Genomic context (GRCh38, chr16:48,143,986, plus strand): 5'-CAGATGAGTCATATGTCGACAATGGGGGCAGGGTGTCTACGGTCAGCCTTTGCCGGTAGC[CTT>C]TCACCATCACCGGCGTGAGCCAGGAAAATGTGGCGAAGGAGAGTAGCCCGGCATCATCCA-3'